The following is an entry in ClinVar:

NM_000193.4(SHH):c.766G>C (p.Glu256Gln)

Gene: SHH (sonic hedgehog signaling molecule; minus strand). Cytogenetic location: 7q36.3.
Variant type: single nucleotide variant.
Coding change: c.766G>C on transcript NM_000193.4 (MANE Select); coding-DNA position 766, G replaced by C.
Protein change: p.Glu256Gln; replaces glutamic acid 256 with glutamine.
Molecular consequence: missense variant. On other transcripts: intron variant (1).
Genome position (GRCh38, 1-based): chr7:155,803,523, C>G on the plus strand (G>C on the coding strand, the complement: SHH is on the minus strand). VCF-style: chr7-155803523-C-G. GRCh37 (hg19) VCF-style: chr7-155596217-C-G.
Other names: c.301+2773G>C (NM_001310462.2); short protein forms E256Q.
Identifiers: ClinVar variation 1488729 (VCV001488729.3), dbSNP rs104894051, ClinGen allele CA370146109.

ClinVar aggregate classification (germline): Uncertain significance (1 of 4 stars; one submission).

Conditions:
Holoprosencephaly 3 (HPE3). Identifiers: Orphanet 2162, MedGen C1840529, MONDO:0007733, OMIM 142945.

Allele frequency attached by ClinVar (database versions not stated): gnomAD exomes 0.00001.

Submission:

Labcorp Genetics (formerly Invitae), Labcorp
Classification: Uncertain significance for Holoprosencephaly 3. Last evaluated: 2022-02-20. Review status: criteria provided, single submitter. Criteria: Invitae Variant Classification Sherloc (09022015). Collection method: clinical testing. Allele origin: germline.
Comment: This sequence change replaces glutamic acid, which is acidic and polar, with glutamine, which is neutral and polar, at codon 256 of the SHH protein (p.Glu256Gln). This variant is present in population databases (no rsID available, gnomAD 0.01%). This variant has not been reported in the literature in individuals affected with SHH-related conditions. Algorithms developed to predict the effect of missense changes on protein structure and function are either unavailable or do not agree on the potential impact of this missense change (SIFT: "Deleterious"; PolyPhen-2: "Probably Damaging"; Align-GVGD: "Class C0"). In summary, the available evidence is currently insufficient to determine the role of this variant in disease. Therefore, it has been classified as a Variant of Uncertain Significance.